The following is an entry in ClinVar:

ClinVar aggregate classification (germline): Likely benign (1 of 4 stars; one submission).

Submission:

CeGaT Center for Human Genetics Tuebingen
Classification: Likely benign. Last evaluated: 2026-05-01. Review status: criteria provided, single submitter. Criteria: CeGaT Center For Human Genetics Tuebingen Variant Classification Criteria Version 2. Collection method: clinical testing. Allele origin: germline. Affected: yes. Observed: 1 variant allele.
Comment: ERLIN1: PM2:Supporting, BP4, BP7

NM_006459.4(ERLIN1):c.180G>C (p.Thr60=)

Gene: ERLIN1 (ER lipid raft associated 1; minus strand). Cytogenetic location: 10q24.31.
Variant type: single nucleotide variant.
Coding change: c.180G>C on transcript NM_006459.4 (MANE Select); coding-DNA position 180, G replaced by C.
Protein change: p.Thr60=; no amino-acid change (threonine 60 retained).
Molecular consequence: synonymous variant. On other transcripts: 5 prime UTR variant (1), non-coding transcript variant (5), intron variant (1).
Genome position (GRCh38, 1-based): chr10:100,183,771, C>G on the plus strand (G>C on the coding strand, the complement: ERLIN1 is on the minus strand). VCF-style: chr10-100183771-C-G. GRCh37 (hg19) VCF-style: chr10-101943528-C-G.
Other names: c.180G>C, p.Thr60= (NM_001100626.2, NM_001347857.2, NM_001347859.2 and 2 more transcripts); c.-192G>C (NM_001347858.2); c.-58+1743G>C (NM_001347856.2).
Identifiers: ClinVar variation 4875034 (VCV004875034.2).
Genomic context (GRCh38, chr10:100,183,771, plus strand): 5'-ATGCCTGTCTATCTGGTATGGAGGCTTCCCCTAGGAATCACTCACCTGCACAGATCTGAA[C>G]GTAGTAATGAAAGGCAACATGATATGATAGCCTGGTCCACTGGGGCTAGTTAGTAAAGCT-3'
Protein context (NP_006450.2, residues 50-70): GYHIMLPFIT[Thr60=]FRSVQTTLQT